The following is an entry in ClinVar:

ClinVar aggregate classification (germline): Likely benign. Review status: criteria provided, multiple submitters, no conflicts (2 of 4 stars). 3 submissions from 3 submitters: Likely benign (2). 1 of the submissions does not count toward it. Last evaluated 2026-05-28.

Conditions:
RASopathy. Also called: rasopathies; Noonan spectrum disorder. Identifiers: Orphanet 536391, MedGen C5555857, MONDO:0021060.
Cardiovascular phenotype. Identifiers: MedGen CN230736.
SHOC2-related disorder. Also called: SHOC2-related condition.

Allele frequency attached by ClinVar (database versions not stated): ExAC 0.00003; gnomAD 0.00001; TOPMed 0.00001; gnomAD exomes 0.00002.
gnomAD v4.1: 10 of 1,610,650 alleles (0.00062%); highest among the groups gnomAD compares: Middle Eastern, 0.016%; no homozygotes.

Submissions (3):

Ambry Genetics
Classification: Likely benign for Cardiovascular phenotype. Last evaluated: 2026-05-28. Review status: criteria provided, single submitter. Criteria: Ambry Variant Classification Scheme 2023. Collection method: clinical testing. Allele origin: germline.

Labcorp Genetics (formerly Invitae), Labcorp
Classification: Likely benign for RASopathy. Last evaluated: 2023-07-29. Review status: criteria provided, single submitter. Criteria: Invitae Variant Classification Sherloc (09022015). Collection method: clinical testing. Allele origin: germline.

PreventionGenetics, part of Exact Sciences
Classification: Likely benign for SHOC2-related condition. Last evaluated: 2022-05-11. Review status: no assertion criteria provided. Collection method: clinical testing. Allele origin: germline. Not counted in ClinVar's aggregate classification.
Comment: This variant is classified as likely benign based on ACMG/AMP sequence variant interpretation guidelines (Richards et al. 2015 PMID: 25741868, with internal and published modifications).

NM_007373.4(SHOC2):c.1404A>G (p.Ala468=)

Gene: SHOC2 (SHOC2 leucine rich repeat scaffold protein; plus strand). Cytogenetic location: 10q25.2.
Variant type: single nucleotide variant.
Coding change: c.1404A>G on transcript NM_007373.4 (MANE Select); coding-DNA position 1404, A replaced by G.
Protein change: p.Ala468=; no amino-acid change (alanine 468 retained).
Molecular consequence: synonymous variant. On other transcripts: non-coding transcript variant (1).
Genome position (GRCh38, 1-based): chr10:111,009,367, A>G. VCF-style: chr10-111009367-A-G. GRCh37 (hg19) VCF-style: chr10-112769125-A-G.
Other names: c.1266A>G, p.Ala422= (NM_001269039.3); c.1404A>G, p.Ala468= (NM_001324336.2, NM_001324337.2); c.1404A>G (NM_007373.3).
Identifiers: ClinVar variation 1557160 (VCV001557160.11), dbSNP rs764705344, ClinGen allele CA5689760.